The following is an entry in ClinVar:

NM_006172.4(NPPA):c.419C>A (p.Ala140Asp)

Genes: NPPA (natriuretic peptide A; minus strand), NPPA-AS1 (NPPA antisense RNA 1; plus strand), LOC114827827 (VISTA enhancer hs2123; plus strand). Cytogenetic location: 1p36.22.
Variant type: single nucleotide variant.
Coding change: c.419C>A on transcript NM_006172.4 (MANE Select); coding-DNA position 419, C replaced by A.
Protein change: p.Ala140Asp; replaces alanine 140 with aspartic acid.
Molecular consequence: missense variant.
Genome position (GRCh38, 1-based): chr1:11,847,144, G>T on the plus strand (C>A on the coding strand, the complement: NPPA is on the minus strand). VCF-style: chr1-11847144-G-T. GRCh37 (hg19) VCF-style: chr1-11907201-G-T.
Other names: short protein forms A140D.
Identifiers: ClinVar variation 4782164 (VCV004782164.1).

ClinVar aggregate classification (germline): Uncertain significance (1 of 4 stars; one submission).

Conditions:
Atrial fibrillation, familial, 6 (ATFB6). Identifiers: MedGen C2677294, MONDO:0012816, OMIM 612201.

Submission:

Labcorp Genetics (formerly Invitae), Labcorp
Classification: Uncertain significance for Atrial fibrillation, familial, 6. Last evaluated: 2025-05-13. Review status: criteria provided, single submitter. Criteria: Invitae Variant Classification Sherloc (09022015). Collection method: clinical testing. Allele origin: germline.
Comment: This sequence change replaces alanine, which is neutral and non-polar, with aspartic acid, which is acidic and polar, at codon 140 of the NPPA protein (p.Ala140Asp). This variant is not present in population databases (gnomAD no frequency). This variant has not been reported in the literature in individuals affected with NPPA-related conditions. An algorithm developed to predict the effect of missense changes on protein structure and function (PolyPhen-2) suggests that this variant is likely to be disruptive. In summary, the available evidence is currently insufficient to determine the role of this variant in disease. Therefore, it has been classified as a Variant of Uncertain Significance.